The following is an entry in ClinVar:

NM_006231.4(POLE):c.6152C>G (p.Ser2051Cys)

Gene: POLE (DNA polymerase epsilon, catalytic subunit; minus strand). Cytogenetic location: 12q24.33.
Variant type: single nucleotide variant.
Coding change: c.6152C>G on transcript NM_006231.4 (MANE Select); coding-DNA position 6152, C replaced by G.
Protein change: p.Ser2051Cys; replaces serine 2051 with cysteine.
Molecular consequence: missense variant.
Genome position (GRCh38, 1-based): chr12:132,632,493, G>C on the plus strand (C>G on the coding strand, the complement: POLE is on the minus strand). VCF-style: chr12-132632493-G-C. GRCh37 (hg19) VCF-style: chr12-133209079-G-C.
Other names: short protein forms S2051C.
Identifiers: ClinVar variation 1041285 (VCV001041285.8), dbSNP rs2041953428, ClinGen allele CA387370018.

ClinVar aggregate classification (germline): Uncertain significance (1 of 4 stars; one submission).

Submission:

Labcorp Genetics (formerly Invitae), Labcorp
Classification: Uncertain significance. Last evaluated: 2020-08-18. Review status: criteria provided, single submitter. Criteria: Invitae Variant Classification Sherloc (09022015). Collection method: clinical testing. Allele origin: germline.
Comment: This sequence change replaces serine with cysteine at codon 2051 of the POLE protein (p.Ser2051Cys). The serine residue is highly conserved and there is a moderate physicochemical difference between serine and cysteine. This variant is not present in population databases (ExAC no frequency). This variant has not been reported in the literature in individuals with POLE-related conditions. Algorithms developed to predict the effect of missense changes on protein structure and function are either unavailable or do not agree on the potential impact of this missense change (SIFT: "Deleterious"; PolyPhen-2: "Benign"; Align-GVGD: "Class C15"). In summary, the available evidence is currently insufficient to determine the role of this variant in disease. Therefore, it has been classified as a Variant of Uncertain Significance.